The following is an entry in ClinVar:

NM_018897.3(DNAH7):c.10576C>T (p.Pro3526Ser)

Gene: DNAH7 (dynein axonemal heavy chain 7; minus strand). Cytogenetic location: 2q32.3.
Variant type: single nucleotide variant.
Coding change: c.10576C>T on transcript NM_018897.3 (MANE Select); coding-DNA position 10576, C replaced by T.
Protein change: p.Pro3526Ser; replaces proline 3526 with serine.
Molecular consequence: missense variant.
Genome position (GRCh38, 1-based): chr2:195,794,478, G>A on the plus strand (C>T on the coding strand, the complement: DNAH7 is on the minus strand). VCF-style: chr2-195794478-G-A. GRCh37 (hg19) VCF-style: chr2-196659202-G-A.
Other names: short protein forms P3526S.
Identifiers: ClinVar variation 560264 (VCV000560264.3), dbSNP rs1559101390, ClinGen allele CA349936949.

ClinVar aggregate classification (germline): Uncertain significance (1 of 4 stars; one submission).

Submission:

Geisinger Autism and Developmental Medicine Institute, Geisinger Health System
Classification: Uncertain significance. Last evaluated: 2017-02-15. Review status: criteria provided, single submitter. Criteria: ACMG Guidelines, 2015. Collection method: provider interpretation, clinical testing. Allele origin: de novo. Observed: 1 variant allele.
Comment: This variant is absent from gnomAD, though a missense change at the neighboring codon (p.Ser3525Thr) occurs at 0.12%, and computational models predict this variant is probably damaging. This is a gene of uncertain significance; no known human disorders have been clearly associated with this gene.